The following is an entry in ClinVar:

NM_000038.6(APC):c.1016G>C (p.Ser339Thr)

Gene: APC (APC regulator of Wnt signaling pathway; plus strand). Cytogenetic location: 5q22.2.
Variant type: single nucleotide variant.
Coding change: c.1016G>C on transcript NM_000038.6 (MANE Select); coding-DNA position 1016, G replaced by C.
Protein change: p.Ser339Thr; replaces serine 339 with threonine.
Molecular consequence: missense variant. On other transcripts: non-coding transcript variant (2), intron variant (15).
Genome position (GRCh38, 1-based): chr5:112,819,048, G>C. VCF-style: chr5-112819048-G-C. GRCh37 (hg19) VCF-style: chr5-112154745-G-C.
Other names: c.1016G>C, p.Ser339Thr (NM_001127510.3, NM_001354895.2, NM_001354896.2 and 4 more transcripts); c.962G>C, p.Ser321Thr (NM_001127511.3); c.1046G>C, p.Ser349Thr (NM_001354897.2, NM_001407446.1); c.941G>C, p.Ser314Thr (NM_001354898.2, NM_001407451.1); c.932G>C, p.Ser311Thr (NM_001354899.2, NM_001407452.1); c.839G>C, p.Ser280Thr (NM_001354900.2, NM_001354901.2, NM_001407453.1); c.167G>C, p.Ser56Thr (NM_001354906.2, NM_001407470.1); c.85-221G>C (NM_001407472.1, NM_001407471.1); and 5 more; short protein forms S280T, S311T, S349T, S56T, S314T, S321T, S339T.
Identifiers: ClinVar variation 2957694 (VCV002957694.3), dbSNP rs1554079972, ClinGen allele CA16023533.
Genomic context (GRCh38, chr5:112,819,048, plus strand): 5'-TGTCAATGCTTGGTACTCATGATAAGGATGATATGTCGCGAACTTTGCTAGCTATGTCTA[G>C]CTCCCAAGACAGCTGTATATCCATGCGACAGTCTGGATGTCTTCCTCTCCTCATCCAGCT-3'
Protein context (NP_000029.2, residues 329-349): DMSRTLLAMS[Ser339Thr]SQDSCISMRQ

ClinVar aggregate classification (germline): Uncertain significance (1 of 4 stars; one submission).

Conditions:
Familial adenomatous polyposis 1 (FAP1). Also called: FAMILIAL ADENOMATOUS POLYPOSIS 1, ATTENUATED; POLYPOSIS, ADENOMATOUS INTESTINAL. Identifiers: MedGen C2713442, MONDO:0021056, OMIM 175100. Disease mechanism: loss of function.

Submission:

Labcorp Genetics (formerly Invitae), Labcorp
Classification: Uncertain significance for Familial adenomatous polyposis 1. Last evaluated: 2023-02-13. Review status: criteria provided, single submitter. Criteria: Invitae Variant Classification Sherloc (09022015). Collection method: clinical testing. Allele origin: germline.
Comment: In summary, the available evidence is currently insufficient to determine the role of this variant in disease. Therefore, it has been classified as a Variant of Uncertain Significance. Advanced modeling of protein sequence and biophysical properties (such as structural, functional, and spatial information, amino acid conservation, physicochemical variation, residue mobility, and thermodynamic stability) performed at Invitae indicates that this missense variant is not expected to disrupt APC protein function. This variant has not been reported in the literature in individuals affected with APC-related conditions. This variant is not present in population databases (gnomAD no frequency). This sequence change replaces serine, which is neutral and polar, with threonine, which is neutral and polar, at codon 339 of the APC protein (p.Ser339Thr).